The following is an entry in ClinVar:

ClinVar aggregate classification (germline): Uncertain significance. Review status: criteria provided, multiple submitters, no conflicts (2 of 4 stars). 3 submissions from 3 submitters: Uncertain significance (2). 1 of the submissions does not count toward it. Last evaluated 2023-07-16.

Conditions:
TBX3-related disorder. Also called: TBX3-related condition.
Ulnar-mammary syndrome (UMS). Also called: SCHINZEL SYNDROME; Ulnar-mammary syndrome of Pallister; PALLISTER ULNAR-MAMMARY SYNDROME. Identifiers: Orphanet 3138, MedGen C1866994, MONDO:0008411, OMIM 181450.

Allele frequency attached by ClinVar (database versions not stated): gnomAD exomes below 0.00001; TOPMed below 0.00001.
gnomAD v4.1: 2 of 1,571,908 alleles (0.00013%); highest among the groups gnomAD compares: Non-Finnish European, 0.00017%; no homozygotes.

Submissions (3):

Labcorp Genetics (formerly Invitae), Labcorp
Classification: Uncertain significance for Ulnar-mammary syndrome. Last evaluated: 2023-07-16. Review status: criteria provided, single submitter. Criteria: Invitae Variant Classification Sherloc (09022015). Collection method: clinical testing. Allele origin: germline.
Comment: In summary, the available evidence is currently insufficient to determine the role of this variant in disease. Therefore, it has been classified as a Variant of Uncertain Significance. An algorithm developed to predict the effect of missense changes on protein structure and function (PolyPhen-2) suggests that this variant is likely to be disruptive. ClinVar contains an entry for this variant (Variation ID: 1327846). This variant has not been reported in the literature in individuals affected with TBX3-related conditions. This variant is not present in population databases (gnomAD no frequency). This sequence change replaces tyrosine, which is neutral and polar, with histidine, which is basic and polar, at codon 620 of the TBX3 protein (p.Tyr620His).

GeneDx
Classification: Uncertain significance. Last evaluated: 2021-06-01. Review status: criteria provided, single submitter. Criteria: GeneDx Variant Classification Process June 2021. Collection method: clinical testing. Allele origin: germline. Affected: yes.
Comment: Not observed at significant frequency in large population cohorts (Lek et al., 2016); In silico analysis supports that this missense variant has a deleterious effect on protein structure/function; Has not been previously published as pathogenic or benign to our knowledge; This variant is associated with the following publications: (PMID: 27535533)

PreventionGenetics, part of Exact Sciences
Classification: Uncertain significance for TBX3-related condition. Last evaluated: 2024-07-18. Review status: no assertion criteria provided. Collection method: clinical testing. Allele origin: germline. Not counted in ClinVar's aggregate classification.
Comment: The TBX3 c.1918T>C variant is predicted to result in the amino acid substitution p.Tyr640His. To our knowledge, this variant has not been reported in the literature or in gnomAD, indicating this variant is rare. At this time, the clinical significance of this variant is uncertain due to the absence of conclusive functional and genetic evidence.

NM_005996.4(TBX3):c.1858T>C (p.Tyr620His)

Gene: TBX3 (T-box transcription factor 3; minus strand). Cytogenetic location: 12q24.21.
Variant type: single nucleotide variant.
Coding change: c.1858T>C on transcript NM_005996.4 (MANE Select); coding-DNA position 1858, T replaced by C.
Protein change: p.Tyr620His; replaces tyrosine 620 with histidine.
Molecular consequence: missense variant.
Genome position (GRCh38, 1-based): chr12:114,672,155, A>G on the plus strand (T>C on the coding strand, the complement: TBX3 is on the minus strand). VCF-style: chr12-114672155-A-G. GRCh37 (hg19) VCF-style: chr12-115109960-A-G.
Other names: c.1918T>C, p.Tyr640His (NM_016569.4); c.1918T>C (NM_016569.3); short protein forms Y620H, Y640H.
Identifiers: ClinVar variation 1327846 (VCV001327846.6), dbSNP rs1352791776, ClinGen allele CA386868045.
Genomic context (GRCh38, chr12:114,672,155, plus strand): 5'-GGGCGGTGGTGAGCAGACTGCTGCCGTCCGGGACCGGCACCGGGATGGAGTAGGGGCTGT[A>G]GCGCAGCCGCGGGCGCATGGTGTTCAGATTGAGGAAGGGGTGGCGGTGCACCGAGCTGGA-3'
Protein context (NP_005987.3, residues 610-630): NLNTMRPRLR[Tyr620His]SPYSIPVPVP